The following is an entry in ClinVar:

NM_018671.5(UNC45A):c.302C>A (p.Ala101Asp)

Gene: UNC45A (unc-45 myosin chaperone A; plus strand). Cytogenetic location: 15q26.1.
Variant type: single nucleotide variant.
Coding change: c.302C>A on transcript NM_018671.5 (MANE Select); coding-DNA position 302, C replaced by A.
Protein change: p.Ala101Asp; replaces alanine 101 with aspartic acid.
Molecular consequence: missense variant. On other transcripts: 5 prime UTR variant (1).
Genome position (GRCh38, 1-based): chr15:90,936,336, C>A. VCF-style: chr15-90936336-C-A. GRCh37 (hg19) VCF-style: chr15-91479566-C-A.
Other names: c.257C>A, p.Ala86Asp (NM_001039675.2, NM_001323621.2); c.302C>A, p.Ala101Asp (NM_001323619.1); c.-134C>A (NM_001323620.2); short protein forms A101D, A86D.
Identifiers: ClinVar variation 1015391 (VCV001015391.7), dbSNP rs1432009633, ClinGen allele CA393890825.

ClinVar aggregate classification (germline): Uncertain significance (1 of 4 stars; one submission).

Submission:

Labcorp Genetics (formerly Invitae), Labcorp
Classification: Uncertain significance. Last evaluated: 2020-10-07. Review status: criteria provided, single submitter. Criteria: Invitae Variant Classification Sherloc (09022015). Collection method: clinical testing. Allele origin: germline.
Comment: This variant has not been reported in the literature in individuals with UNC45A-related conditions. This sequence change replaces alanine with aspartic acid at codon 101 of the UNC45A protein (p.Ala101Asp). The alanine residue is highly conserved and there is a moderate physicochemical difference between alanine and aspartic acid. This variant is not present in population databases (ExAC no frequency). Algorithms developed to predict the effect of missense changes on protein structure and function are either unavailable or do not agree on the potential impact of this missense change (SIFT: "Not Available"; PolyPhen-2: "Probably Damaging"; Align-GVGD: "Not Available"). In summary, the available evidence is currently insufficient to determine the role of this variant in disease. Therefore, it has been classified as a Variant of Uncertain Significance.